The following is an entry in ClinVar:

ClinVar aggregate classification (germline): Uncertain significance (1 of 4 stars; one submission).

gnomAD v4.1: 2 of 1,613,990 alleles (0.00012%); highest among the groups gnomAD compares: South Asian, 0.0011%; no homozygotes.

Submission:

Ambry Genetics
Classification: Uncertain significance. Last evaluated: 2025-03-15. Review status: criteria provided, single submitter. Criteria: Ambry Variant Classification Scheme 2023. Collection method: clinical testing. Allele origin: germline.
Comment: The p.T286N variant (also known as c.857C>A), located in coding exon 8 of the RAD51B gene, results from a C to A substitution at nucleotide position 857. The threonine at codon 286 is replaced by asparagine, an amino acid with similar properties. This amino acid position is conserved. In addition, this alteration is predicted to be tolerated by in silico analysis. Based on the available evidence, the clinical significance of this variant remains unclear.

NM_133510.4(RAD51B):c.857C>A (p.Thr286Asn)

Gene: RAD51B (RAD51 paralog B; plus strand). Cytogenetic location: 14q24.1.
Variant type: single nucleotide variant.
Coding change: c.857C>A on transcript NM_133510.4 (MANE Select); coding-DNA position 857, C replaced by A.
Protein change: p.Thr286Asn; replaces threonine 286 with asparagine.
Molecular consequence: missense variant.
Genome position (GRCh38, 1-based): chr14:68,411,427, C>A. VCF-style: chr14-68411427-C-A. GRCh37 (hg19) VCF-style: chr14-68878144-C-A.
Other names: c.857C>A, p.Thr286Asn (NM_001321809.2, NM_001321810.2, NM_001321812.1 and 6 more transcripts); c.743C>A, p.Thr248Asn (NM_001321815.1); c.500C>A, p.Thr167Asn (NM_001321817.2); short protein forms T248N, T286N, T167N.
Identifiers: ClinVar variation 3942262 (VCV003942262.1).